The following is an entry in ClinVar:

NM_003119.4(SPG7):c.680G>A (p.Arg227Gln)

Gene: SPG7 (SPG7 matrix AAA peptidase subunit, paraplegin; plus strand). Cytogenetic location: 16q24.3.
Variant type: single nucleotide variant.
Coding change: c.680G>A on transcript NM_003119.4 (MANE Select); coding-DNA position 680, G replaced by A.
Protein change: p.Arg227Gln; replaces arginine 227 with glutamine.
Molecular consequence: missense variant.
Genome position (GRCh38, 1-based): chr16:89,526,390, G>A. VCF-style: chr16-89526390-G-A. GRCh37 (hg19) VCF-style: chr16-89592798-G-A.
Other names: c.680G>A, p.Arg227Gln (NM_001363850.1, NM_199367.3); short protein forms R227Q.
Identifiers: ClinVar variation 3336409 (VCV003336409.1).

ClinVar aggregate classification (germline): Uncertain significance (1 of 4 stars; one submission).

Submission:

Women's Health and Genetics/Laboratory Corporation of America, LabCorp
Classification: Uncertain significance. Last evaluated: 2024-05-23. Review status: criteria provided, single submitter. Criteria: LabCorp Variant Classification Summary - May 2015. Collection method: clinical testing. Allele origin: germline.
Comment: Variant summary: SPG7 c.680G>A (p.Arg227Gln) results in a conservative amino acid change located in the Peptidase M41, FtsH extracellular domain (IPR011546) of the encoded protein sequence. Four of five in-silico tools predict a damaging effect of the variant on protein function. The variant allele was found at a frequency of 4e-06 in 251496 control chromosomes (gnomAD). The available data on variant occurrences in the general population are insufficient to allow any conclusion about variant significance. c.680G>A has been reported in the literature in individuals affected with developmental disorders and observed as de novo (Turner_2019, Kaplanis_2020). These reports do not provide unequivocal conclusions about association of the variant with Hereditary Spastic Paraplegia 7. To our knowledge, no experimental evidence demonstrating an impact on protein function has been reported. The following publications have been ascertained in the context of this evaluation (PMID: 33057194, 31785789, 35982159). No submitters have cited clinical-significance assessments for this variant to ClinVar. Based on the evidence outlined above, the variant was classified as uncertain significance.

Literature cited by the submitters: PubMed 31785789; PubMed 35982159; PubMed 33057194.